The following is an entry in ClinVar:

ClinVar aggregate classification (germline): Uncertain significance (1 of 4 stars; one submission).

Conditions:
Inborn genetic diseases. Identifiers: MedGen C0950123, MeSH D030342.

gnomAD v4.1: 6 of 1,614,080 alleles (0.00037%); highest among the groups gnomAD compares: Non-Finnish European, 0.00051%; no homozygotes.

Submission:

Ambry Genetics
Classification: Uncertain significance for Inborn genetic diseases. Last evaluated: 2022-03-02. Review status: criteria provided, single submitter. Criteria: Ambry Variant Classification Scheme 2023. Collection method: clinical testing. Allele origin: germline.
Comment: The p.T597S variant (also known as c.1789A>T), located in coding exon 12 of the EPAS1 gene, results from an A to T substitution at nucleotide position 1789. The threonine at codon 597 is replaced by serine, an amino acid with similar properties. This amino acid position is conserved. In addition, this alteration is predicted to be tolerated by in silico analysis. Since supporting evidence is limited at this time, the clinical significance of this alteration remains unclear.

NM_001430.5(EPAS1):c.1789A>T (p.Thr597Ser)

Gene: EPAS1 (endothelial PAS domain protein 1; plus strand). Cytogenetic location: 2p21.
Variant type: single nucleotide variant.
Coding change: c.1789A>T on transcript NM_001430.5 (MANE Select); coding-DNA position 1789, A replaced by T.
Protein change: p.Thr597Ser; replaces threonine 597 with serine.
Molecular consequence: missense variant.
Genome position (GRCh38, 1-based): chr2:46,380,461, A>T. VCF-style: chr2-46380461-A-T. GRCh37 (hg19) VCF-style: chr2-46607600-A-T.
Other names: short protein forms T597S.
Identifiers: ClinVar variation 1780146 (VCV001780146.2), dbSNP rs758026354, ClinGen allele CA346704890.